The following is an entry in ClinVar:

ClinVar aggregate classification (germline): Likely benign. Review status: reviewed by expert panel (3 of 4 stars). 3 submissions from 3 submitters: Likely benign (1). 2 of the submissions do not count toward it. Last evaluated 2017-06-29.

Conditions:
Hereditary breast ovarian cancer syndrome. Also called: Hereditary breast and ovarian cancer syndrome; Hereditary breast and ovarian cancer syndrome (HBOC); BRCA1- and BRCA2-Associated Hereditary Breast and Ovarian Cancer; Breast and ovarian cancer; Hereditary breast and ovarian cancer; Hereditary breast and/or ovarian cancer syndrome. Identifiers: Orphanet 145, MedGen C0677776, MeSH D061325, MONDO:0003582. Disease mechanism: loss of function.
Hereditary cancer-predisposing syndrome. Also called: Hereditary Cancer Syndrome; Hereditary neoplastic syndrome; Tumor predisposition; Neoplastic Syndromes, Hereditary. Identifiers: Orphanet 140162, MedGen C0027672, MeSH D009386, MONDO:0015356.
Breast-ovarian cancer, familial, susceptibility to, 1 (BROVCA1). Also called: OVARIAN CANCER, SUSCEPTIBILITY TO; BRCA1 Hereditary Breast and Ovarian Cancer. Identifiers: Orphanet 145, MedGen C2676676, MONDO:0011450, OMIM 604370. Disease mechanism: loss of function.

Allele frequency attached by ClinVar (database versions not stated): TOPMed below 0.00001.

Submissions (3):

Evidence-based Network for the Interpretation of Germline Mutant Alleles (ENIGMA)
Classification: Likely benign for Breast-ovarian cancer, familial, susceptibility to, 1. Last evaluated: 2017-06-29. Review status: reviewed by expert panel. Criteria: ENIGMA BRCA1/2 Classification Criteria (2017-06-29). Collection method: curation. Allele origin: germline.
Comment: Synonymous substitution variant, with low bioinformatic likelihood to result in a splicing aberration (Splicing prior probability 0.02).

Labcorp Genetics (formerly Invitae), Labcorp
Classification: Likely benign for Hereditary breast ovarian cancer syndrome. Last evaluated: 2026-01-26. Review status: criteria provided, single submitter. Criteria: Invitae Variant Classification Sherloc (09022015). Collection method: clinical testing. Allele origin: germline. Not counted in ClinVar's aggregate classification.

Ambry Genetics
Classification: Likely benign for Hereditary cancer-predisposing syndrome. Last evaluated: 2023-12-14. Review status: criteria provided, single submitter. Criteria: Ambry Variant Classification Scheme 2023. Collection method: clinical testing. Allele origin: germline. Not counted in ClinVar's aggregate classification.

NM_007294.4(BRCA1):c.2121T>G (p.Gly707=)

Gene: BRCA1 (BRCA1 DNA repair associated; minus strand). Cytogenetic location: 17q21.31.
Variant type: single nucleotide variant.
Coding change: c.2121T>G on transcript NM_007294.4 (MANE Select); coding-DNA position 2121, T replaced by G.
Protein change: p.Gly707=; no amino-acid change (glycine 707 retained).
Molecular consequence: synonymous variant. On other transcripts: intron variant (137).
Genome position (GRCh38, 1-based): chr17:43,093,410, A>C on the plus strand (T>G on the coding strand, the complement: BRCA1 is on the minus strand). VCF-style: chr17-43093410-A-C. GRCh37 (hg19) VCF-style: chr17-41245427-A-C.
Other names: c.1908T>G, p.Gly636= (NM_001407899.1, NM_001407915.1, NM_001407916.1 and 9 more transcripts); c.1911T>G, p.Gly637= (NM_001407900.1, NM_001407902.1, NM_001407904.1 and 13 more transcripts); c.1998T>G, p.Gly666= (NM_001407919.1, NM_001407937.1, NM_001407938.1 and 19 more transcripts); c.1857T>G, p.Gly619= (NM_001407920.1, NM_001407921.1, NM_001407922.1 and 9 more transcripts); c.1854T>G, p.Gly618= (NM_001407930.1, NM_001407931.1, NM_001407932.1 and 2 more transcripts); c.1995T>G, p.Gly665= (NM_001407940.1, NM_001407941.1, NM_001407649.1 and 11 more transcripts); c.1980T>G, p.Gly660= (NM_001407942.1, NM_001407944.1, NM_001407945.1 and 29 more transcripts); c.1977T>G, p.Gly659= (NM_001407943.1, NM_001407964.1, NM_001407740.1 and 20 more transcripts); and 41 more.
Identifiers: ClinVar variation 184733 (VCV000184733.15), dbSNP rs786201649, ClinGen allele CA001408.